The following is an entry in ClinVar:

ClinVar aggregate classification (germline): Likely benign. Review status: criteria provided, multiple submitters, no conflicts (2 of 4 stars). 4 submissions from 4 submitters: Likely benign (4). Last evaluated 2024-07-23.

Conditions:
Familial colorectal cancer type X. Identifiers: Orphanet 440437, MedGen C3896578, MONDO:0018604.
Hereditary cancer-predisposing syndrome. Also called: Tumor predisposition; Neoplastic Syndromes, Hereditary; Hereditary Cancer Syndrome; Hereditary neoplastic syndrome. Identifiers: Orphanet 140162, MedGen C0027672, MeSH D009386, MONDO:0015356.
Familial cancer of breast. Also called: BREAST CANCER, FAMILIAL; hereditary breast carcinoma; Hereditary breast cancer. Identifiers: Orphanet 227535, MedGen C0346153, MONDO:0016419, OMIM 114480. Disease mechanism: loss of function.
Ataxia-telangiectasia syndrome (AT). Also called: Ataxia-telangiectasia; Ataxia-telangiectasia, complementation group D; AT, COMPLEMENTATION GROUP C; LOUIS-BAR SYNDROME; Cerebello-oculocutaneous telangiectasia; Immunodeficiency with ataxia telangiectasia. Identifiers: Orphanet 100, MedGen C0004135, MONDO:0008840, OMIM 208900.

Allele frequency attached by ClinVar (database versions not stated): gnomAD exomes below 0.00001; ExAC 0.00002.
gnomAD v4.1: 5 of 1,606,080 alleles (0.00031%); highest among the groups gnomAD compares: South Asian, 0.0044%; no homozygotes.

Submissions (4):

Labcorp Genetics (formerly Invitae), Labcorp
Classification: Likely benign for Ataxia-telangiectasia syndrome. Last evaluated: 2024-07-23. Review status: criteria provided, single submitter. Criteria: Invitae Variant Classification Sherloc (09022015). Collection method: clinical testing. Allele origin: germline.

Myriad Genetics, Inc.
Classification: Likely benign for Familial cancer of breast. Last evaluated: 2024-05-07. Review status: criteria provided, single submitter. Criteria: Myriad Autosomal Dominant, Autosomal Recessive and X-Linked Classification Criteria (2023). Collection method: clinical testing. Allele origin: unknown.
Comment: This variant is considered likely benign. This variant is intronic and is not expected to impact mRNA splicing.

Department of Pathology and Laboratory Medicine, Sinai Health System
Classification: Likely benign for Familial colorectal cancer type X. Last evaluated: 2022-09-07. Review status: criteria provided, single submitter. Criteria: ACMG Guidelines, 2015. Collection method: clinical testing. Allele origin: germline. Affected: yes.

Color Diagnostics, LLC DBA Color Health
Classification: Likely benign for Hereditary cancer-predisposing syndrome. Last evaluated: 2016-10-07. Review status: criteria provided, single submitter. Criteria: ACMG Guidelines, 2015. Collection method: clinical testing. Allele origin: germline.

NM_000051.4(ATM):c.2250+9A>G

Gene: ATM (ATM serine/threonine kinase; plus strand). Cytogenetic location: 11q22.3.
Variant type: single nucleotide variant.
Coding change: c.2250+9A>G on transcript NM_000051.4 (MANE Select); 9 bases into the intron after coding-DNA position 2250, A replaced by G.
Molecular consequence: intron variant.
Genome position (GRCh38, 1-based): chr11:108,256,349, A>G. VCF-style: chr11-108256349-A-G. GRCh37 (hg19) VCF-style: chr11-108127076-A-G.
Other names: c.2250+9A>G (NM_001351834.2, NM_000051.2).
Identifiers: ClinVar variation 490461 (VCV000490461.14), dbSNP rs755569951, ClinGen allele CA6264969.